The following is an entry in ClinVar:

NC_000014.8:g.(?_67346637)_(67391029_?)del

Gene: GPHN (gephyrin; plus strand). Cytogenetic location: 14q23.3.
Variant type: Deletion.
Identifiers: ClinVar variation 1412252 (VCV001412252.4).

ClinVar aggregate classification (germline): Uncertain significance (1 of 4 stars; one submission).

Conditions:
Sulfite oxidase deficiency due to molybdenum cofactor deficiency type C. Also called: Molybdenum cofactor deficiency, complementation group C; Molybdenum cofactor deficiency C. Identifiers: Orphanet 308400, Orphanet 833, MedGen C1854990, MONDO:0014212, OMIM 615501.

Submission:

Labcorp Genetics (formerly Invitae), Labcorp
Classification: Uncertain significance for Sulfite oxidase deficiency due to molybdenum cofactor deficiency type C. Last evaluated: 2021-07-31. Review status: criteria provided, single submitter. Criteria: Invitae Variant Classification Sherloc (09022015). Collection method: clinical testing. Allele origin: germline.
Comment: In summary, the available evidence is currently insufficient to determine the role of this variant in disease. Therefore, it has been classified as a Variant of Uncertain Significance. Experimental studies and prediction algorithms are not available or were not evaluated, and the functional significance of this variant is currently unknown. This variant has not been reported in the literature in individuals affected with GPHN-related conditions. This variant is a gross deletion of the genomic region encompassing exon(s) 5-8 of the GPHN gene. This variant would be expected to be in-frame, preserving the integrity of the reading frame.